The following is an entry in ClinVar:

NM_004859.4(CLTC):c.2279A>G (p.Lys760Arg)

Gene: CLTC (clathrin heavy chain; plus strand). Cytogenetic location: 17q23.1.
Variant type: single nucleotide variant.
Coding change: c.2279A>G on transcript NM_004859.4 (MANE Select); coding-DNA position 2279, A replaced by G.
Protein change: p.Lys760Arg; replaces lysine 760 with arginine.
Molecular consequence: missense variant.
Genome position (GRCh38, 1-based): chr17:59,668,927, A>G. VCF-style: chr17-59668927-A-G. GRCh37 (hg19) VCF-style: chr17-57746288-A-G.
Other names: c.2291A>G, p.Lys764Arg (NM_001288653.2); short protein forms K760R, K764R.
Identifiers: ClinVar variation 4746680 (VCV004746680.1).
Genomic context (GRCh38, chr17:59,668,927, plus strand): 5'-AAATCAAAGAAGTAGAAAGAATCTGTAGAGAAAGCAACTGCTACGATCCTGAGCGAGTCA[A>G]GAATTTTCTTAAGGTAAGTGGTTTTGAGTAATGTGTTTTCTGGTTGGATTCCAGGTTAGC-3'
Protein context (NP_004850.1, residues 750-770): ESNCYDPERV[Lys760Arg]NFLKEAKLTD

ClinVar aggregate classification (germline): Uncertain significance (1 of 4 stars; one submission).

Submission:

Labcorp Genetics (formerly Invitae), Labcorp
Classification: Uncertain significance. Last evaluated: 2025-10-01. Review status: criteria provided, single submitter. Criteria: Invitae Variant Classification Sherloc (09022015). Collection method: clinical testing. Allele origin: germline.
Comment: This sequence change replaces lysine, which is basic and polar, with arginine, which is basic and polar, at codon 764 of the CLTC protein (p.Lys764Arg). This variant is not present in population databases (gnomAD no frequency). This variant has not been reported in the literature in individuals affected with CLTC-related conditions. Invitae Evidence Modeling of protein sequence and biophysical properties (such as structural, functional, and spatial information, amino acid conservation, physicochemical variation, residue mobility, and thermodynamic stability) indicates that this missense variant is not expected to disrupt CLTC protein function with a negative predictive value of 80%. In summary, the available evidence is currently insufficient to determine the role of this variant in disease. Therefore, it has been classified as a Variant of Uncertain Significance.